The following is an entry in ClinVar:

NM_001024383.2(NAV3):c.3G>T (p.Met1Ile)

Gene: NAV3 (neuron navigator 3; plus strand). Cytogenetic location: 12q21.2.
Variant type: single nucleotide variant.
Coding change: c.3G>T on transcript NM_001024383.2 (MANE Select); coding-DNA position 3, G replaced by T.
Protein change: p.Met1Ile; changes the start codon (methionine 1).
Molecular consequence: missense variant, initiator codon variant.
Genome position (GRCh38, 1-based): chr12:77,831,464, G>T. VCF-style: chr12-77831464-G-T. GRCh37 (hg19) VCF-style: chr12-78225244-G-T.
Other names: c.3G>T, p.Met1Ile (NM_014903.6); short protein forms M1I.
Identifiers: ClinVar variation 5020162 (VCV005020162.1).

ClinVar aggregate classification (germline): Uncertain significance (1 of 4 stars; one submission).

Submission:

Dasa
Classification: Uncertain significance. Last evaluated: 2026-07-21. Review status: criteria provided, single submitter. Criteria: DASA Assertion Criteria. Collection method: clinical testing. Allele origin: germline.
Comment: NM_001024383.2(NAV3):c.3G>T (p.Met1?) is a start-loss variant predicted to alter the translation initiation codon and impair normal protein translation. This variant is absent from population databases. The currently available literature and clinical evidence are not sufficient to establish a definitive association between this variant and the reported condition. Therefore, this variant is classified as a variant of uncertain significance.